The following is an entry in ClinVar:

NM_032043.3(BRIP1):c.1795-1G>C

Gene: BRIP1 (BRCA1 interacting DNA helicase 1; minus strand). Cytogenetic location: 17q23.2.
Variant type: single nucleotide variant.
Coding change: c.1795-1G>C on transcript NM_032043.3 (MANE Select); the canonical splice acceptor site of the intron before coding-DNA position 1795, G replaced by C.
Molecular consequence: splice acceptor variant.
Genome position (GRCh38, 1-based): chr17:61,780,402, C>G on the plus strand (G>C on the coding strand, the complement: BRIP1 is on the minus strand). VCF-style: chr17-61780402-C-G. GRCh37 (hg19) VCF-style: chr17-59857763-C-G.
Identifiers: ClinVar variation 2921574 (VCV002921574.4), dbSNP rs1368457771, ClinGen allele CA400480236.

ClinVar aggregate classification (germline): Likely pathogenic. Review status: criteria provided, multiple submitters, no conflicts (2 of 4 stars). 2 submissions from 2 submitters: Likely pathogenic (2). Last evaluated 2024-06-25.

Conditions:
Hereditary cancer-predisposing syndrome. Also called: Tumor predisposition; Neoplastic Syndromes, Hereditary; Hereditary Cancer Syndrome; Hereditary neoplastic syndrome. Identifiers: Orphanet 140162, MedGen C0027672, MeSH D009386, MONDO:0015356.
Fanconi anemia complementation group J. Also called: BRIP1-Related Fanconi Anemia. Identifiers: Orphanet 84, MedGen C1836860, MONDO:0012187, OMIM 609054.
Familial cancer of breast. Also called: hereditary breast carcinoma; BREAST CANCER, FAMILIAL; Hereditary breast cancer. Identifiers: Orphanet 227535, MedGen C0346153, MONDO:0016419, OMIM 114480. Disease mechanism: loss of function.

Allele frequency attached by ClinVar (database versions not stated): gnomAD exomes below 0.00001.
gnomAD v4.1: 1 of 1,607,738 alleles (0.000062%); highest among the groups gnomAD compares: South Asian, 0.0011%; no homozygotes.

Submissions (2):

Color Diagnostics, LLC DBA Color Health
Classification: Likely pathogenic for Hereditary cancer-predisposing syndrome. Last evaluated: 2024-06-25. Review status: criteria provided, single submitter. Criteria: ACMG Guidelines, 2015. Collection method: clinical testing. Allele origin: germline.
Comment: This variant causes a G>C nucleotide substitution at the -1 position of intron 12 of the MLH1 gene. Splice site prediction tools suggest that this variant may have a significant impact on RNA splicing. Although this prediction has not been confirmed in published RNA studies, this variant is expected to result in a disrupted protein product. This variant has not been reported in individuals affected with BRIP1-related disorders in the literature. This variant has been identified in 1/251360 chromosomes in the general population by the Genome Aggregation Database (gnomAD). Based on the available evidence, this variant is classified as Likely Pathogenic.

Labcorp Genetics (formerly Invitae), Labcorp
Classification: Likely pathogenic for Familial cancer of breast; Fanconi anemia complementation group J. Last evaluated: 2023-12-19. Review status: criteria provided, single submitter. Criteria: Invitae Variant Classification Sherloc (09022015). Collection method: clinical testing. Allele origin: germline.
Comment: This sequence change affects an acceptor splice site in intron 12 of the BRIP1 gene. It is expected to disrupt RNA splicing. Variants that disrupt the donor or acceptor splice site typically lead to a loss of protein function (PMID: 16199547), and loss-of-function variants in BRIP1 are known to be pathogenic (PMID: 16116423, 17033622, 21964575). This variant is present in population databases (no rsID available, gnomAD 0.003%). This variant has not been reported in the literature in individuals affected with BRIP1-related conditions. Algorithms developed to predict the effect of sequence changes on RNA splicing suggest that this variant may disrupt the consensus splice site. In summary, the currently available evidence indicates that the variant is pathogenic, but additional data are needed to prove that conclusively. Therefore, this variant has been classified as Likely Pathogenic.

Literature cited by the submitters: PubMed 16199547 (cited by Labcorp Genetics (formerly Invitae), Labcorp); PubMed 16116423 (cited by Labcorp Genetics (formerly Invitae), Labcorp); PubMed 17033622 (cited by Labcorp Genetics (formerly Invitae), Labcorp); PubMed 21964575 (cited by Labcorp Genetics (formerly Invitae), Labcorp).